The following is an entry in ClinVar:

ClinVar aggregate classification (germline): Likely benign (1 of 4 stars; one submission).

Conditions:
Malignant hyperthermia, susceptibility to, 5 (MHS5). Also called: CACNA1S-Related Malignant Hyperthermia Susceptibility. Identifiers: Orphanet 423, MedGen C1866077, MONDO:0011163, OMIM 601887.

Submission:

All of Us Research Program, National Institutes of Health
Classification: Likely benign for Malignant hyperthermia, susceptibility to, 5. Last evaluated: 2024-06-09. Review status: criteria provided, single submitter. Criteria: ACMG Guidelines, 2015. Collection method: clinical testing. Allele origin: germline. Inheritance: Autosomal dominant inheritance. Observed: 1 variant allele, 1 heterozygote.
Comment: This study involves interpretation of variants in research participants for the purpose of population health screening. Participant phenotype was not available at the time of variant classification. Additional details can be found in publication PMID: 35346344, PMCID: PMC8962531

NM_000069.3(CACNA1S):c.4344G>A (p.Leu1448=)

Gene: CACNA1S (calcium voltage-gated channel subunit alpha1 S; minus strand). Cytogenetic location: 1q32.1.
Variant type: single nucleotide variant.
Coding change: c.4344G>A on transcript NM_000069.3 (MANE Select); coding-DNA position 4344, G replaced by A.
Protein change: p.Leu1448=; no amino-acid change (leucine 1448 retained).
Molecular consequence: synonymous variant.
Genome position (GRCh38, 1-based): chr1:201,048,679, C>T on the plus strand (G>A on the coding strand, the complement: CACNA1S is on the minus strand). VCF-style: chr1-201048679-C-T. GRCh37 (hg19) VCF-style: chr1-201017807-C-T.
Identifiers: ClinVar variation 3386303 (VCV003386303.1).
Genomic context (GRCh38, chr1:201,048,679, plus strand): 5'-AAAGAGTGTGGCATTGAAGGTGACTGTGCCGTCGCTGTTCAGGGGCATGTTCATGCCCAC[C>T]AGCCGCTGTACAGGGAGACGCAGTGGCCTGCCGCTGAGCTGGGACCAGGCCAAGCTTGGC-3'
Protein context (NP_000060.2, residues 1438-1458): FCPHRVACKR[Leu1448=]VGMNMPLNSD